The following is an entry in ClinVar:

NM_033380.3(COL4A5):c.1377_1378delinsGA (p.Gly460Arg)

Gene: COL4A5 (collagen type IV alpha 5 chain; plus strand). Cytogenetic location: Xq22.3.
Variant type: Indel.
Coding change: c.1377_1378delinsGA on transcript NM_033380.3 (MANE Select); coding-DNA positions 1377 to 1378, AG replaced by GA.
Protein change: p.Gly460Arg; replaces glycine 460 with arginine.
Molecular consequence: missense variant.
Genome position (GRCh38, 1-based): chrX:108,591,598-108,591,599, AG replaced by GA. VCF-style: chrX-108591598-AG-GA. GRCh37 (hg19) VCF-style: chrX-107834828-AG-GA.
Other names: c.1377_1378delinsGA, p.Gly460Arg (NM_000495.5); short protein forms G460R.
Identifiers: ClinVar variation 2120222 (VCV002120222.4), dbSNP rs2524285018, ClinGen allele CA2580100232.

ClinVar aggregate classification (germline): Likely pathogenic (1 of 4 stars; one submission).

Submission:

Labcorp Genetics (formerly Invitae), Labcorp
Classification: Likely pathogenic. Last evaluated: 2022-04-01. Review status: criteria provided, single submitter. Criteria: Invitae Variant Classification Sherloc (09022015). Collection method: clinical testing. Allele origin: germline.
Comment: A different variant (c.1378G>C) giving rise to the same protein effect has been determined to be pathogenic (Invitae). This suggests that this variant is also likely to be causative of disease. In summary, the currently available evidence indicates that the variant is pathogenic, but additional data are needed to prove that conclusively. Therefore, this variant has been classified as Likely Pathogenic. This variant disrupts the triple helix domain of COL4A5. Glycine residues within the Gly-Xaa-Yaa repeats of the triple helix domain are required for the structure and stability of fibrillar collagens (PMID: 7695699, 8218237, 19344236). In COL4A5, missense variants at these glycine residues are significantly enriched in individuals with disease (PMID: 23720012, 27627812) compared to the general population (ExAC). Information on the frequency of this variant in the gnomAD database is not available, as this variant may be reported differently in the database. This sequence change replaces glycine, which is neutral and non-polar, with arginine, which is basic and polar, at codon 460 of the COL4A5 protein (p.Gly460Arg).

Literature cited by the submitters: PubMed 7695699; PubMed 8218237; PubMed 19344236; PubMed 23720012; PubMed 27627812.